The following is an entry in ClinVar:

ClinVar aggregate classification (germline): Uncertain significance. Review status: criteria provided, single submitter (1 of 4 stars). 2 submissions from 2 submitters: Uncertain significance (1). 1 of the submissions does not count toward it. Last evaluated 2025-01-31.

Conditions:
Ectodermal dysplasia 14, hair/tooth type with or without hypohidrosis. Identifiers: Orphanet 685067, MedGen C4748560, MONDO:0032584, OMIM 618180.

Allele frequency attached by ClinVar (database versions not stated): ExAC 0.00002; gnomAD exomes 0.00002.
gnomAD v4.1: 6 of 1,612,966 alleles (0.00037%); highest among the groups gnomAD compares: Admixed American, 0.0017%; no homozygotes.

Submissions (2):

Women's Health and Genetics/Laboratory Corporation of America, LabCorp
Classification: Uncertain significance. Last evaluated: 2025-01-31. Review status: criteria provided, single submitter. Criteria: LabCorp Variant Classification Summary - May 2015. Collection method: clinical testing. Allele origin: germline.
Comment: Variant summary: TSPEAR c.1852T>A (p.Tyr618Asn) results in a non-conservative amino acid change located in the EAR repeat domain (IPR009039) of the encoded protein sequence. Five of five in-silico tools predict a damaging effect of the variant on protein function. The variant allele was found at a frequency of 2e-05 in 251280 control chromosomes. The available data on variant occurrences in the general population are insufficient to allow any conclusion about variant significance. c.1852T>A has been reported in the literature in one individual affected with Ectodermal Dysplasia and the 2ed variant appeared to be likely benign (Peled_2016) . These report(s) do not provide unequivocal conclusions about association of the variant with Ectodermal Dysplasia 14, Hair/tooth Type With Or Without Hypohidrosis. To our knowledge, no experimental evidence demonstrating an impact on protein function has been reported. The following publication has been ascertained in the context of this evaluation (PMID: 27736875). ClinVar contains an entry for this variant (Variation ID: 590273). Based on the evidence outlined above, the variant was classified as uncertain significance.

OMIM
Classification: Pathogenic for ECTODERMAL DYSPLASIA 14, HAIR/TOOTH TYPE, WITHOUT HYPOHIDROSIS. Last evaluated: 2022-12-05. Review status: no assertion criteria provided. Collection method: literature only. Allele origin: germline. Not counted in ClinVar's aggregate classification.

Literature cited by the submitters: PubMed 27736875 (cited by Women's Health and Genetics/Laboratory Corporation of America, LabCorp and OMIM).

NM_144991.3(TSPEAR):c.1852T>A (p.Tyr618Asn)

Gene: TSPEAR (thrombospondin type laminin G domain and EAR repeats; minus strand). Cytogenetic location: 21q22.3.
Variant type: single nucleotide variant.
Coding change: c.1852T>A on transcript NM_144991.3 (MANE Select); coding-DNA position 1852, T replaced by A.
Protein change: p.Tyr618Asn; replaces tyrosine 618 with asparagine.
Molecular consequence: missense variant.
Genome position (GRCh38, 1-based): chr21:44,504,784, A>T on the plus strand (T>A on the coding strand, the complement: TSPEAR is on the minus strand). VCF-style: chr21-44504784-A-T. GRCh37 (hg19) VCF-style: chr21-45924667-A-T.
Other names: c.1648T>A, p.Tyr550Asn (NM_001272037.2); short protein forms Y618N, Y550N.
Identifiers: ClinVar variation 590273 (VCV000590273.4), dbSNP rs781868760, ClinGen allele CA10056307.